The following is an entry in ClinVar:

NM_000098.3(CPT2):c.1757T>A (p.Val586Asp)

Gene: CPT2 (carnitine palmitoyltransferase 2; plus strand). Cytogenetic location: 1p32.3.
Variant type: single nucleotide variant.
Coding change: c.1757T>A on transcript NM_000098.3 (MANE Select); coding-DNA position 1757, T replaced by A.
Protein change: p.Val586Asp; replaces valine 586 with aspartic acid.
Molecular consequence: missense variant.
Genome position (GRCh38, 1-based): chr1:53,213,375, T>A. VCF-style: chr1-53213375-T-A. GRCh37 (hg19) VCF-style: chr1-53679047-T-A.
Other names: c.1688T>A, p.Val563Asp (NM_001330589.2); short protein forms V563D, V586D.
Identifiers: ClinVar variation 1305066 (VCV001305066.2), dbSNP rs2100278492, ClinGen allele CA340397595.
Genomic context (GRCh38, chr1:53,213,375, plus strand): 5'-AAGGGATCATCTTGCCTGAGCTCTACCTGGACCCTGCATACGGGCAGATAAACCACAATG[T>A]CCTGTCCACGAGCACACTGAGCAGCCCAGCAGTGAACCTTGGGGGCTTTGCCCCTGTGGT-3'
Protein context (NP_000089.1, residues 576-596): DPAYGQINHN[Val586Asp]LSTSTLSSPA

ClinVar aggregate classification (germline): Uncertain significance (1 of 4 stars; one submission).

Submission:

GeneDx
Classification: Uncertain significance. Last evaluated: 2019-01-24. Review status: criteria provided, single submitter. Criteria: GeneDx Variant Classification Process June 2021. Collection method: clinical testing. Allele origin: germline. Affected: yes.
Comment: Not observed in large population cohorts (Lek et al., 2016; McVean et al., 2012; Exome Variant Server); The majority of missense variants in this gene are considered pathogenic (Stenson et al., 2014); In silico analysis, which includes protein predictors and evolutionary conservation, supports a deleterious effect